The following is an entry in ClinVar:

NM_003482.4(KMT2D):c.43C>T (p.Pro15Ser)

Gene: KMT2D (lysine methyltransferase 2D; minus strand). Cytogenetic location: 12q13.12.
Variant type: single nucleotide variant.
Coding change: c.43C>T on transcript NM_003482.4 (MANE Select); coding-DNA position 43, C replaced by T.
Protein change: p.Pro15Ser; replaces proline 15 with serine.
Molecular consequence: missense variant.
Genome position (GRCh38, 1-based): chr12:49,055,282, G>A on the plus strand (C>T on the coding strand, the complement: KMT2D is on the minus strand). VCF-style: chr12-49055282-G-A. GRCh37 (hg19) VCF-style: chr12-49449065-G-A.
Other names: short protein forms P15S.
Identifiers: ClinVar variation 1431133 (VCV001431133.6), dbSNP rs1002765819, ClinGen allele CA236624813.

ClinVar aggregate classification (germline): Uncertain significance (1 of 4 stars; one submission).

Conditions:
Kabuki syndrome. Also called: NIIKAWA-KUROKI SYNDROME; Kabuki make-up syndrome. Identifiers: Orphanet 2322, MedGen C0796004, MONDO:0016512.

Allele frequency attached by ClinVar (database versions not stated): gnomAD exomes below 0.00001; TOPMed 0.00003.
gnomAD v4.1: 2 of 1,613,998 alleles (0.00012%); highest among the groups gnomAD compares: African/African-American, 0.0027%; no homozygotes.

Submission:

Labcorp Genetics (formerly Invitae), Labcorp
Classification: Uncertain significance for Kabuki syndrome. Last evaluated: 2020-12-31. Review status: criteria provided, single submitter. Criteria: Invitae Variant Classification Sherloc (09022015). Collection method: clinical testing. Allele origin: germline.
Comment: In summary, the available evidence is currently insufficient to determine the role of this variant in disease. Therefore, it has been classified as a Variant of Uncertain Significance. Advanced modeling of protein sequence and biophysical properties (such as structural, functional, and spatial information, amino acid conservation, physicochemical variation, residue mobility, and thermodynamic stability) performed at Invitae indicates that this missense variant is not expected to disrupt KMT2D protein function. This variant has not been reported in the literature in individuals with KMT2D-related conditions. This variant is not present in population databases (ExAC no frequency). This sequence change replaces proline with serine at codon 15 of the KMT2D protein (p.Pro15Ser). The proline residue is weakly conserved and there is a moderate physicochemical difference between proline and serine.